The following is an entry in ClinVar:

ClinVar aggregate classification (germline): Uncertain significance (1 of 4 stars; one submission).

Conditions:
Nephronophthisis 18 (NPHP18). Identifiers: Orphanet 655, MedGen C3890591, MONDO:0014374, OMIM 615862.

Allele frequency attached by ClinVar (database versions not stated): gnomAD exomes below 0.00001.
gnomAD v4.1: 1 of 1,581,994 alleles (0.000063%); highest among the groups gnomAD compares: African/African-American, 0.0014%; no homozygotes.

Submission:

Labcorp Genetics (formerly Invitae), Labcorp
Classification: Uncertain significance for Nephronophthisis 18. Last evaluated: 2023-11-27. Review status: criteria provided, single submitter. Criteria: Invitae Variant Classification Sherloc (09022015). Collection method: clinical testing. Allele origin: germline.
Comment: This sequence change replaces glutamic acid, which is acidic and polar, with glycine, which is neutral and non-polar, at codon 467 of the CEP83 protein (p.Glu467Gly). This variant is not present in population databases (gnomAD no frequency). This variant has not been reported in the literature in individuals affected with CEP83-related conditions. ClinVar contains an entry for this variant (Variation ID: 1467133). Advanced modeling of protein sequence and biophysical properties (such as structural, functional, and spatial information, amino acid conservation, physicochemical variation, residue mobility, and thermodynamic stability) has been performed at Invitae for this missense variant, however the output from this modeling did not meet the statistical confidence thresholds required to predict the impact of this variant on CEP83 protein function. In summary, the available evidence is currently insufficient to determine the role of this variant in disease. Therefore, it has been classified as a Variant of Uncertain Significance.

NM_016122.3(CEP83):c.1400A>G (p.Glu467Gly)

Gene: CEP83 (centrosomal protein 83; minus strand). Cytogenetic location: 12q22.
Variant type: single nucleotide variant.
Coding change: c.1400A>G on transcript NM_016122.3 (MANE Select); coding-DNA position 1400, A replaced by G.
Protein change: p.Glu467Gly; replaces glutamic acid 467 with glycine.
Molecular consequence: missense variant. On other transcripts: non-coding transcript variant (2).
Genome position (GRCh38, 1-based): chr12:94,335,608, T>C on the plus strand (A>G on the coding strand, the complement: CEP83 is on the minus strand). VCF-style: chr12-94335608-T-C. GRCh37 (hg19) VCF-style: chr12-94729384-T-C.
Other names: c.1400A>G, p.Glu467Gly (NM_001042399.2, NM_001346457.2, NM_001368037.1 and 1 more transcripts); c.1088A>G, p.Glu363Gly (NM_001346458.2, NM_001346459.2, NM_001368039.1 and 1 more transcripts); c.1175A>G, p.Glu392Gly (NM_001368041.1); short protein forms E467G, E392G, E363G.
Identifiers: ClinVar variation 1467133 (VCV001467133.8), dbSNP rs1281820117, ClinGen allele CA386144961.